The following is an entry in ClinVar:

NM_001267550.2(TTN):c.95372G>C (p.Gly31791Ala)

Genes: TTN-AS1 (TTN antisense RNA 1; plus strand), TTN (titin; minus strand). Cytogenetic location: 2q31.2.
Variant type: single nucleotide variant.
Coding change: c.95372G>C on transcript NM_001267550.2 (MANE Select); coding-DNA position 95372, G replaced by C.
Protein change: p.Gly31791Ala; replaces glycine 31791 with alanine.
Molecular consequence: missense variant.
Genome position (GRCh38, 1-based): chr2:178,545,864, C>G on the plus strand (G>C on the coding strand, the complement: TTN is on the minus strand). VCF-style: chr2-178545864-C-G. GRCh37 (hg19) VCF-style: chr2-179410591-C-G.
Other names: c.68753G>C, p.Gly22918Ala (NM_133437.4); c.90449G>C, p.Gly30150Ala (NM_001256850.1); c.68177G>C, p.Gly22726Ala (NM_003319.4); c.87668G>C, p.Gly29223Ala (NM_133378.4); c.68552G>C, p.Gly22851Ala (NM_133432.3); short protein forms G22851A, G22918A, G29223A, G31791A, G22726A, G30150A.
Identifiers: ClinVar variation 662774 (VCV000662774.1), dbSNP rs869320744, ClinGen allele CA349462449.

ClinVar aggregate classification (germline): Uncertain significance (1 of 4 stars; one submission).

Conditions:
Autosomal recessive limb-girdle muscular dystrophy type 2J (LGMDR10). Also called: Limb-girdle muscular dystrophy, type 2J; MUSCULAR DYSTROPHY, LIMB-GIRDLE, AUTOSOMAL RECESSIVE 10. Identifiers: Orphanet 140922, MedGen C1837342, MONDO:0012127, OMIM 608807.
Dilated cardiomyopathy 1G (CMD1G). Identifiers: Orphanet 154, MedGen C1858763, MONDO:0011400, OMIM 604145.

Submission:

Labcorp Genetics (formerly Invitae), Labcorp
Classification: Uncertain significance for Dilated cardiomyopathy 1G; Limb-girdle muscular dystrophy, type 2J. Last evaluated: 2018-11-27. Review status: criteria provided, single submitter. Criteria: Invitae Variant Classification Sherloc (09022015). Collection method: clinical testing. Allele origin: germline.
Comment: This sequence change replaces glycine with alanine at codon 31791 of the TTN protein (p.Gly31791Ala). There is a small physicochemical difference between glycine and alanine. This variant is not present in population databases (ExAC no frequency). This variant has not been reported in the literature in individuals with TTN-related disease. This variant is located in the A band of TTN (PMID: 25589632).Â¬â€ Variants in this region may be relevant for cardiac or neuromuscular disorders (PMID:Â¬â€ 25589632,Â¬â€ 23975875). Algorithms developed to predict the effect of missense changes on protein structure and function are unavailable for the TTN gene. This variant disrupts the p.Gly31791 amino acid residue in TTN. Other variant(s) that disrupt this residue (p.Gly31791Asp) have been observed in individuals with TTN-related disease (PMID:Â¬â€ 25253871,Â¬â€ 23514108), suggesting that it is a clinically significant residue. As a result, variants that disrupt this residue are likely to be causative of disease. In summary, the available evidence is currently insufficient to determine the role of this variant in disease. Therefore, it has been classified as a Variant of Uncertain Significance.

Literature cited by the submitters: PubMed 25589632.